The following is an entry in ClinVar:

NM_178857.6(RP1L1):c.4795C>G (p.Leu1599Val)

Gene: RP1L1 (RP1 like 1). Cytogenetic location: 8p23.1.
Variant type: single nucleotide variant.
Coding change: c.4795C>G on transcript NM_178857.6 (MANE Select); coding-DNA position 4795, C replaced by G.
Protein change: p.Leu1599Val; replaces leucine 1599 with valine.
Molecular consequence: missense variant.
Genome position (GRCh38, 1-based): chr8:10,609,303, G>C on the plus strand (C>G on the coding strand, the complement: RP1L1 is on the minus strand). VCF-style: chr8-10609303-G-C. GRCh37 (hg19) VCF-style: chr8-10466813-G-C.
Other names: short protein forms L1599V.
Identifiers: ClinVar variation 361266 (VCV000361266.6), dbSNP rs201524117, ClinGen allele CA4623886.

ClinVar aggregate classification (germline): Conflicting classifications of pathogenicity. Review status: criteria provided, conflicting classifications (1 of 4 stars). 2 submissions from 2 submitters: Uncertain significance (1); Likely benign (1). Last evaluated 2025-08-09.

Conditions:
Occult macular dystrophy (OCMD). Also called: OCCULT MACULAR DYSTROPHY, SUSCEPTIBILITY TO; OMD. Identifiers: Orphanet 247834, MedGen C3150833, MONDO:0013316, OMIM 613587, HP:0030636.
Inborn genetic diseases. Identifiers: MedGen C0950123, MeSH D030342.

Allele frequency attached by ClinVar (database versions not stated): gnomAD 0.00001; TOPMed 0.00001; gnomAD exomes 0.00004; ExAC 0.00005; ESP Exome Variant Server 0.00024.
gnomAD v4.1: 19 of 1,611,054 alleles (0.0012%); no homozygotes.

Submissions (2):

Ambry Genetics
Classification: Uncertain significance for Inborn genetic diseases. Last evaluated: 2025-08-09. Review status: criteria provided, single submitter. Criteria: Ambry Variant Classification Scheme 2023. Collection method: clinical testing. Allele origin: germline.

Illumina Laboratory Services, Illumina
Classification: Likely benign for Occult macular dystrophy. Last evaluated: 2018-01-13. Review status: criteria provided, single submitter. Criteria: ICSL Variant Classification Criteria 13 December 2019. Collection method: clinical testing. Allele origin: germline.
Comment: This variant was observed in the ICSL laboratory as part of a predisposition screen in an ostensibly healthy population. It had not been previously curated by ICSL or reported in the Human Gene Mutation Database (HGMD: prior to June 1st, 2018), and was therefore a candidate for classification through an automated scoring system. Utilizing variant allele frequency, disease prevalence and penetrance estimates, and inheritance mode, an automated score was calculated to assess if this variant is too frequent to cause the disease. Based on the score and internal cut-off values, a variant classified as likely benign is not then subjected to further curation. The score for this variant resulted in a classification of likely benign for this disease.